The following is an entry in ClinVar:

ClinVar aggregate classification (germline): Likely pathogenic (1 of 4 stars; one submission).

Submission:

Labcorp Genetics (formerly Invitae), Labcorp
Classification: Likely pathogenic. Last evaluated: 2025-06-02. Review status: criteria provided, single submitter. Criteria: Invitae Variant Classification Sherloc (09022015). Collection method: clinical testing. Allele origin: germline.
Comment: This sequence change replaces phenylalanine, which is neutral and non-polar, with leucine, which is neutral and non-polar, at codon 1463 of the SCN3A protein (p.Phe1463Leu). This variant is not present in population databases (gnomAD no frequency). This missense change has been observed in individual(s) with clinical features of SCN3A-related epilepsy (internal data). In at least one individual the variant was observed to be de novo. ClinVar contains an entry for this variant (Variation ID: 1066525). Invitae Evidence Modeling of protein sequence and biophysical properties (such as structural, functional, and spatial information, amino acid conservation, physicochemical variation, residue mobility, and thermodynamic stability) has been performed for this missense variant. However, the output from this modeling did not meet the statistical confidence thresholds required to predict the impact of this variant on SCN3A protein function. In summary, the currently available evidence indicates that the variant is pathogenic, but additional data are needed to prove that conclusively. Therefore, this variant has been classified as Likely Pathogenic.

NM_006922.4(SCN3A):c.4387T>C (p.Phe1463Leu)

Gene: SCN3A (sodium voltage-gated channel alpha subunit 3; minus strand). Cytogenetic location: 2q24.3.
Variant type: single nucleotide variant.
Coding change: c.4387T>C on transcript NM_006922.4 (MANE Select); coding-DNA position 4387, T replaced by C.
Protein change: p.Phe1463Leu; replaces phenylalanine 1463 with leucine.
Molecular consequence: missense variant.
Genome position (GRCh38, 1-based): chr2:165,095,555, A>G on the plus strand (T>C on the coding strand, the complement: SCN3A is on the minus strand). VCF-style: chr2-165095555-A-G. GRCh37 (hg19) VCF-style: chr2-165952065-A-G.
Other names: c.4240T>C, p.Phe1414Leu (NM_001081676.2, NM_001081677.2); short protein forms F1414L, F1463L.
Identifiers: ClinVar variation 1066525 (VCV001066525.9), dbSNP rs1321955401, ClinGen allele CA349023228.
Genomic context (GRCh38, chr2:165,095,555, plus strand): 5'-GCTAAAGAATACTTATCTTCTTTTTCTGCTGGTTGAAGTTATCTATGATGACACCAATGA[A>G]TAGATTCAGAGTGAAGAATGACCCAAAGATGATAAAGATGACAAAGTATAAATACATGTA-3'
Protein context (NP_008853.3, residues 1453-1473): IFGSFFTLNL[Phe1463Leu]IGVIIDNFNQ